The following is an entry in ClinVar:

ClinVar aggregate classification (germline): Pathogenic (1 of 4 stars; one submission).

Conditions:
Primary ciliary dyskinesia. Also called: Ciliary dyskinesia. Identifiers: Orphanet 244, MedGen C0008780, MONDO:0016575, HP:0012265.

Submission:

Labcorp Genetics (formerly Invitae), Labcorp
Classification: Pathogenic for Primary ciliary dyskinesia. Last evaluated: 2025-09-18. Review status: criteria provided, single submitter. Criteria: Invitae Variant Classification Sherloc (09022015). Collection method: clinical testing. Allele origin: germline.
Comment: This sequence change is expected to alter the c-terminus of the CCNO protein (p.Arg304Profs*67). While this is not anticipated to result in nonsense mediated decay, it is expected to disrupt the last 47 amino acid(s) of the CCNO protein and extend the protein by 19 additional amino acid residues. This variant is not present in population databases (gnomAD no frequency). This variant has not been reported in the literature in individuals affected with CCNO-related conditions. This variant disrupts a region of the CCNO protein in which other variant(s) (p.Gln321*) have been determined to be pathogenic (PMID: 24747639, 26139845). This suggests that this is a clinically significant region of the protein, and that variants that disrupt it are likely to be disease-causing. For these reasons, this variant has been classified as Pathogenic.

Literature cited by the submitters: PubMed 24747639; PubMed 26139845.

NM_021147.5(CCNO):c.910dup (p.Arg304fs)

Gene: CCNO (cyclin O; minus strand). Cytogenetic location: 5q11.2.
Variant type: Duplication.
Coding change: c.910dup on transcript NM_021147.5 (MANE Select); coding-DNA position 910, one base duplicated (C; older notation c.910dupC).
Protein change: p.Arg304fs; shifts the reading frame from arginine 304.
Molecular consequence: frameshift variant. On other transcripts: non-coding transcript variant (3).
Genome position (GRCh38, 1-based): chr5:55,231,518, G duplicated on the plus strand (C on the coding strand, the reverse complement: CCNO is on the minus strand). VCF-style (leftmost placement, unchanged base first): chr5-55231517-C-CG. GRCh37 (hg19) VCF-style: chr5-54527345-C-CG.
Other names: short protein forms R304fs.
Identifiers: ClinVar variation 4727414 (VCV004727414.1).